The following is an entry in ClinVar:

NM_000310.4(PPT1):c.683T>G (p.Val228Gly)

Gene: PPT1 (palmitoyl-protein thioesterase 1; minus strand). Cytogenetic location: 1p34.2.
Variant type: single nucleotide variant.
Coding change: c.683T>G on transcript NM_000310.4 (MANE Select); coding-DNA position 683, T replaced by G.
Protein change: p.Val228Gly; replaces valine 228 with glycine.
Molecular consequence: missense variant.
Genome position (GRCh38, 1-based): chr1:40,078,603, A>C on the plus strand (T>G on the coding strand, the complement: PPT1 is on the minus strand). VCF-style: chr1-40078603-A-C. GRCh37 (hg19) VCF-style: chr1-40544275-A-C.
Other names: c.374T>G, p.Val125Gly (NM_001142604.2); c.683T>G, p.Val228Gly (NM_001363695.2); short protein forms V125G, V228G.
Identifiers: ClinVar variation 56212 (VCV000056212.2), dbSNP rs386833663, ClinGen allele CA263543.

ClinVar aggregate classification (germline): Likely pathogenic (0 of 4 stars; one submission).

Conditions:
Neuronal ceroid lipofuscinosis 1 (CLN1). Also called: CEROID LIPOFUSCINOSIS, NEURONAL, 1, VARIABLE AGE AT ONSET; PPT1-Related Neuronal Ceroid-Lipofuscinosis. Identifiers: Orphanet 228329, MedGen C1850451, MONDO:0009744, OMIM 256730.

Submission:

Juha Muilu Group; Institute for Molecular Medicine Finland (FIMM)
Classification: Likely pathogenic for Ceroid lipofuscinosis neuronal 1. Review status: no assertion criteria provided. Collection method: not provided. Allele origin: unknown.
Comment: FinDis database variant: This variant was not found or characterized by our laboratory, data were collected from public sources: see reference
ClinVar note: Converted during submission from probable-pathogenic to Likely pathogenic.